The following is an entry in ClinVar:

NM_001220.5(CAMK2B):c.1444C>T (p.Leu482Phe)

Gene: CAMK2B (calcium/calmodulin dependent protein kinase II beta; minus strand). Cytogenetic location: 7p13.
Variant type: single nucleotide variant.
Coding change: c.1444C>T on transcript NM_001220.5 (MANE Select); coding-DNA position 1444, C replaced by T.
Protein change: p.Leu482Phe; replaces leucine 482 with phenylalanine.
Molecular consequence: missense variant. On other transcripts: intron variant (8).
Genome position (GRCh38, 1-based): chr7:44,228,820, G>A on the plus strand (C>T on the coding strand, the complement: CAMK2B is on the minus strand). VCF-style: chr7-44228820-G-A. GRCh37 (hg19) VCF-style: chr7-44268419-G-A.
Other names: c.947-7919C>T (NM_172084.3); c.1150+2186C>T (NM_172080.3); c.1036+2186C>T (NM_172083.3); c.1108+2186C>T (NM_172081.3); c.1153+2186C>T (NM_172079.3, NM_172082.3); c.1225+2186C>T (NM_001293170.2, NM_172078.3); short protein forms L482F.
Identifiers: ClinVar variation 1497706 (VCV001497706.6), dbSNP rs1368457756, ClinGen allele CA367372964.

ClinVar aggregate classification (germline): Uncertain significance (1 of 4 stars; one submission).

Allele frequency attached by ClinVar (database versions not stated): gnomAD exomes 0.00001.

Submission:

Labcorp Genetics (formerly Invitae), Labcorp
Classification: Uncertain significance. Last evaluated: 2026-01-05. Review status: criteria provided, single submitter. Criteria: Invitae Variant Classification Sherloc (09022015). Collection method: clinical testing. Allele origin: germline.
Comment: This sequence change replaces leucine, which is neutral and non-polar, with phenylalanine, which is neutral and non-polar, at codon 482 of the CAMK2B protein (p.Leu482Phe). This variant is present in population databases (no rsID available, gnomAD 0.005%). This variant has not been reported in the literature in individuals affected with CAMK2B-related conditions. ClinVar contains an entry for this variant (Variation ID: 1497706). An algorithm developed to predict the effect of missense changes on protein structure and function outputs the following: PolyPhen-2: "Benign". The phenylalanine amino acid residue is found in multiple mammalian species, which suggests that this missense change does not adversely affect protein function. In summary, the available evidence is currently insufficient to determine the role of this variant in disease. Therefore, it has been classified as a Variant of Uncertain Significance.